The following is an entry in ClinVar:

NM_000494.4(COL17A1):c.1141+4C>T

Gene: COL17A1 (collagen type XVII alpha 1 chain; minus strand). Cytogenetic location: 10q25.1.
Variant type: single nucleotide variant.
Coding change: c.1141+4C>T on transcript NM_000494.4 (MANE Select); 4 bases into the intron after coding-DNA position 1141, C replaced by T.
Molecular consequence: intron variant.
Genome position (GRCh38, 1-based): chr10:104,060,115, G>A on the plus strand (C>T on the coding strand, the complement: COL17A1 is on the minus strand). VCF-style: chr10-104060115-G-A. GRCh37 (hg19) VCF-style: chr10-105819873-G-A.
Identifiers: ClinVar variation 4741287 (VCV004741287.1).

ClinVar aggregate classification (germline): Uncertain significance (1 of 4 stars; one submission).

gnomAD v4.1: 38 of 1,613,966 alleles (0.0024%); highest among the groups gnomAD compares: African/African-American, 0.033%; no homozygotes.

Submission:

Labcorp Genetics (formerly Invitae), Labcorp
Classification: Uncertain significance. Last evaluated: 2025-10-17. Review status: criteria provided, single submitter. Criteria: Invitae Variant Classification Sherloc (09022015). Collection method: clinical testing. Allele origin: germline.
Comment: This sequence change falls in intron 14 of the COL17A1 gene. It does not directly change the encoded amino acid sequence of the COL17A1 protein. It affects a nucleotide within the consensus splice site. This variant is present in population databases (rs368372089, gnomAD 0.03%). This variant has not been reported in the literature in individuals affected with COL17A1-related conditions. Variants that disrupt the consensus splice site are a relatively common cause of aberrant splicing (PMID: 17576681, 9536098). Algorithms developed to predict the effect of sequence changes on RNA splicing suggest that this variant may disrupt the consensus splice site. In summary, the available evidence is currently insufficient to determine the role of this variant in disease. Therefore, it has been classified as a Variant of Uncertain Significance.

Literature cited by the submitters: PubMed 17576681; PubMed 9536098.